The following is an entry in ClinVar:

ClinVar aggregate classification (germline): Likely pathogenic (1 of 4 stars; one submission).

Conditions:
Cerebro-costo-mandibular syndrome (CCMS). Also called: RIB GAP DEFECTS WITH MICROGNATHIA; Cerebrocostomandibular syndrome. Identifiers: Orphanet 1393, MedGen C0265342, MONDO:0007301, OMIM 117650.

Submission:

New York Genome Center
Classification: Likely pathogenic for Cerebro-costo-mandibular syndrome. Last evaluated: 2023-03-26. Review status: criteria provided, single submitter. Criteria: NYGC Assertion Criteria 2020. Collection method: clinical testing. Allele origin: de novo. Affected: yes. Observed: 1 heterozygote. Study: PrenatalSEQ.
Comment: The c.267+4dup variant identified in SNRPB has not previously been reported in the literature or public variant repositories (ClinVar and LOVD), and is absent from population databases (gnomADv2.1.1, gnomADv3.1.2, TOPMed Freeze 8, All of Us) suggesting it is not a common benign variant in the populations represented in those databases. The c.267+4dup variant is located in the splice donor region of exon 2 (intron 3) and is predicted to affect mRNA splicing (splice AI= 0.35 (donor loss), varSEAK = class 5), which might result in exon skipping or full/partial intron retention; however, there are no functional studies to support or refute these predictions. Based on available evidence this de novo heterozygous c.267+4dup variant identified in SNRPB is reported as Likely pathogenic.

NM_003091.4(SNRPB):c.267+4dup

Gene: SNRPB (small nuclear ribonucleoprotein polypeptides B and B1; minus strand). Cytogenetic location: 20p13.
Variant type: Duplication.
Coding change: c.267+4dup on transcript NM_003091.4 (MANE Select); 4 bases into the intron after coding-DNA position 267, one base duplicated (A; older notation c.267+4dupA).
Molecular consequence: intron variant.
Genome position (GRCh38, 1-based): chr20:2,465,704, T duplicated on the plus strand (A on the coding strand, the reverse complement: SNRPB is on the minus strand); the first of 2 consecutive T bases (chr20:2,465,704-2,465,705); duplicating either gives the same sequence. VCF-style (leftmost placement, unchanged base first): chr20-2465703-C-CT. GRCh37 (hg19) VCF-style: chr20-2446349-C-CT.
Other names: c.267+4dup (NM_198216.2).
Identifiers: ClinVar variation 3235903 (VCV003235903.1), dbSNP rs2514423027, ClinGen allele CA2825002826.
Genomic context (GRCh38, chr20:2,465,703, plus strand): 5'-CTAACACAGAGCCTGGCTCACAGTAGGGCCTCCCCTCCTCCACAAGGCTTCCTGCTCTGA[C>CT]TTACATCTTTGGGAGGAGGTCCCTCTACTGTCATTGAGACCAGATTCTCCCCTCGCAGCA-3'